The following is an entry in ClinVar:

ClinVar aggregate classification (germline): Pathogenic (1 of 4 stars; one submission).

Conditions:
Hereditary antithrombin deficiency (AT3D). Also called: Antithrombin deficiency; Antithrombin III deficiency; Thrombophilia due to antithrombin III deficiency; Reduced antithrombin III activity. Identifiers: Orphanet 82, MedGen C0272375, MONDO:0013144, OMIM 613118, HP:0001976.

Allele frequency attached by ClinVar (database versions not stated): gnomAD exomes below 0.00001.
gnomAD v4.1: 1 of 1,614,142 alleles (0.000062%); highest among the groups gnomAD compares: Non-Finnish European, 0.000085%; no homozygotes.

Submission:

Labcorp Genetics (formerly Invitae), Labcorp
Classification: Pathogenic for Hereditary antithrombin deficiency. Last evaluated: 2026-01-07. Review status: criteria provided, single submitter. Criteria: Invitae Variant Classification Sherloc (09022015). Collection method: clinical testing. Allele origin: germline.
Comment: This sequence change replaces glycine, which is neutral and non-polar, with aspartic acid, which is acidic and polar, at codon 125 of the SERPINC1 protein (p.Gly125Asp). This variant is not present in population databases (gnomAD no frequency). This missense change has been observed in individuals with antithrombin deficiency (PMID: 28300866, 31030036). ClinVar contains an entry for this variant (Variation ID: 2907297). Invitae Evidence Modeling of protein sequence and biophysical properties (such as structural, functional, and spatial information, amino acid conservation, physicochemical variation, residue mobility, and thermodynamic stability) indicates that this missense variant is expected to disrupt SERPINC1 protein function with a positive predictive value of 95%. This variant disrupts the p.Gly125 amino acid residue in SERPINC1. Other variant(s) that disrupt this residue have been observed in individuals with SERPINC1-related conditions (PMID: 28607330), which suggests that this may be a clinically significant amino acid residue. For these reasons, this variant has been classified as Pathogenic.

Literature cited by the submitters: PubMed 28300866; PubMed 31030036; PubMed 28607330.

NM_000488.4(SERPINC1):c.374G>A (p.Gly125Asp)

Gene: SERPINC1 (serpin family C member 1; minus strand). Cytogenetic location: 1q25.1.
Variant type: single nucleotide variant.
Coding change: c.374G>A on transcript NM_000488.4 (MANE Select); coding-DNA position 374, G replaced by A.
Protein change: p.Gly125Asp; replaces glycine 125 with aspartic acid.
Molecular consequence: missense variant.
Genome position (GRCh38, 1-based): chr1:173,914,587, C>T on the plus strand (G>A on the coding strand, the complement: SERPINC1 is on the minus strand). VCF-style: chr1-173914587-C-T. GRCh37 (hg19) VCF-style: chr1-173883725-C-T.
Other names: c.230G>A, p.Gly77Asp (NM_001365052.2); c.374G>A, p.Gly125Asp (NM_001386302.1, NM_001386304.1, NM_001386305.1 and 1 more transcripts); c.455G>A, p.Gly152Asp (NM_001386303.1); short protein forms G152D, G125D, G77D.
Identifiers: ClinVar variation 2907297 (VCV002907297.3), dbSNP rs2526594003, ClinGen allele CA343777309.
Genomic context (GRCh38, chr1:173,914,587, plus strand): 5'-GCTGGGCAGAAGACCTTTGGTCGTACCTCCATCAGTTGCTGGAGGGTGTCATTACAGGCA[C>T]CCAGCTTGGTCATAGCAAAAGCCGTGGAGATACTCAGGGGTGACAGGAAAATGTTATCAT-3'
Protein context (NP_000479.1, residues 115-135): ISTAFAMTKL[Gly125Asp]ACNDTLQQLM